The following is an entry in ClinVar:

NM_005732.4(RAD50):c.1522C>G (p.Gln508Glu)

Gene: RAD50 (RAD50 double strand break repair protein; plus strand). Cytogenetic location: 5q31.1.
Variant type: single nucleotide variant.
Coding change: c.1522C>G on transcript NM_005732.4 (MANE Select); coding-DNA position 1522, C replaced by G.
Protein change: p.Gln508Glu; replaces glutamine 508 with glutamic acid.
Molecular consequence: missense variant.
Genome position (GRCh38, 1-based): chr5:132,591,293, C>G. VCF-style: chr5-132591293-C-G. GRCh37 (hg19) VCF-style: chr5-131926985-C-G.
Other names: short protein forms Q508E.
Identifiers: ClinVar variation 141441 (VCV000141441.14), dbSNP rs587781749, ClinGen allele CA165414.

ClinVar aggregate classification (germline): Uncertain significance. Review status: criteria provided, multiple submitters, no conflicts (2 of 4 stars). 2 submissions from 2 submitters: Uncertain significance (2). Last evaluated 2024-10-18.

Conditions:
Hereditary cancer-predisposing syndrome. Also called: Neoplastic Syndromes, Hereditary; Tumor predisposition; Hereditary Cancer Syndrome; Hereditary neoplastic syndrome. Identifiers: Orphanet 140162, MedGen C0027672, MeSH D009386, MONDO:0015356.

Allele frequency attached by ClinVar (database versions not stated): gnomAD exomes below 0.00001; TOPMed below 0.00001; gnomAD 0.00001.
gnomAD v4.1: 7 of 1,613,090 alleles (0.00043%); highest among the groups gnomAD compares: Non-Finnish European, 0.00059%; no homozygotes.

Submissions (2):

Ambry Genetics
Classification: Uncertain significance for Hereditary cancer-predisposing syndrome. Last evaluated: 2024-10-18. Review status: criteria provided, single submitter. Criteria: Ambry Variant Classification Scheme 2023. Collection method: clinical testing. Allele origin: germline.
Comment: The p.Q508E variant (also known as c.1522C>G), located in coding exon 10 of the RAD50 gene, results from a C to G substitution at nucleotide position 1522. The glutamine at codon 508 is replaced by glutamic acid, an amino acid with highly similar properties. This amino acid position is well conserved in available vertebrate species. In addition, this alteration is predicted to be tolerated by in silico analysis. Since supporting evidence is limited at this time, the clinical significance of this alteration remains unclear.

Labcorp Genetics (formerly Invitae), Labcorp
Classification: Uncertain significance for Hereditary cancer-predisposing syndrome. Last evaluated: 2023-11-02. Review status: criteria provided, single submitter. Criteria: Invitae Variant Classification Sherloc (09022015). Collection method: clinical testing. Allele origin: germline.
Comment: This sequence change replaces glutamine, which is neutral and polar, with glutamic acid, which is acidic and polar, at codon 508 of the RAD50 protein (p.Gln508Glu). This variant is present in population databases (rs587781749, gnomAD 0.0009%). This variant has not been reported in the literature in individuals affected with RAD50-related conditions. ClinVar contains an entry for this variant (Variation ID: 141441). Advanced modeling of protein sequence and biophysical properties (such as structural, functional, and spatial information, amino acid conservation, physicochemical variation, residue mobility, and thermodynamic stability) performed at Invitae indicates that this missense variant is not expected to disrupt RAD50 protein function with a negative predictive value of 80%. In summary, the available evidence is currently insufficient to determine the role of this variant in disease. Therefore, it has been classified as a Variant of Uncertain Significance.